The following is an entry in ClinVar:

NM_000051.4(ATM):c.2125-2A>C

Gene: ATM (ATM serine/threonine kinase; plus strand). Cytogenetic location: 11q22.3.
Variant type: single nucleotide variant.
Coding change: c.2125-2A>C on transcript NM_000051.4 (MANE Select); the canonical splice acceptor site of the intron before coding-DNA position 2125, A replaced by C.
Molecular consequence: splice acceptor variant.
Genome position (GRCh38, 1-based): chr11:108,256,213, A>C. VCF-style: chr11-108256213-A-C. GRCh37 (hg19) VCF-style: chr11-108126940-A-C.
Other names: c.2125-2A>C (NM_001351834.2).
Identifiers: ClinVar variation 567119 (VCV000567119.10), dbSNP rs1565394403, ClinGen allele CA382538624.

ClinVar aggregate classification (germline): Likely pathogenic. Review status: criteria provided, multiple submitters, no conflicts (2 of 4 stars). 3 submissions from 3 submitters: Likely pathogenic (3). Last evaluated 2025-03-14.

Conditions:
Ataxia-telangiectasia syndrome (AT). Also called: Ataxia telangiectasia (A-T); Ataxia-telangiectasia, complementation group D; AT, COMPLEMENTATION GROUP C; ATAXIA-TELANGIECTASIA, COMPLEMENTATION GROUP A; Ataxia-telangiectasia, complementation group E; ATAXIA-TELANGIECTASIA, FRESNO VARIANT. Identifiers: Orphanet 100, MedGen C0004135, MONDO:0008840, OMIM 208900.
Familial cancer of breast. Also called: Hereditary breast cancer; BREAST CANCER, FAMILIAL; hereditary breast carcinoma. Identifiers: Orphanet 227535, MedGen C0346153, MONDO:0016419, OMIM 114480. Disease mechanism: loss of function.
Hereditary cancer-predisposing syndrome. Also called: Neoplastic Syndromes, Hereditary; Tumor predisposition; Hereditary Cancer Syndrome; Hereditary neoplastic syndrome. Identifiers: Orphanet 140162, MedGen C0027672, MeSH D009386, MONDO:0015356.

Submissions (3):

Ambry Genetics
Classification: Likely pathogenic for Hereditary cancer-predisposing syndrome. Last evaluated: 2025-03-14. Review status: criteria provided, single submitter. Criteria: Ambry Variant Classification Scheme 2023. Collection method: clinical testing. Allele origin: germline.
Comment: The c.2125-2A>C intronic variant results from an A to C substitution two nucleotides upstream from coding exon 13 in the ATM gene. This variant is considered to be rare based on population cohorts in the Genome Aggregation Database (gnomAD). This nucleotide position is highly conserved in available vertebrate species. In silico splice site analysis predicts that this alteration will weaken the native splice acceptor site and will result in the creation or strengthening of a novel splice acceptor site. Alterations that disrupt the canonical splice site are expected to cause aberrant splicing, resulting in an abnormal protein or a transcript that is subject to nonsense-mediated mRNA decay. Based on the majority of available evidence to date, this variant is likely to be pathogenic.

Myriad Genetics, Inc.
Classification: Likely pathogenic for Familial cancer of breast. Last evaluated: 2024-01-17. Review status: criteria provided, single submitter. Criteria: Myriad Autosomal Dominant, Autosomal Recessive and X-Linked Classification Criteria (2023). Collection method: clinical testing. Allele origin: unknown.
Comment: This variant is considered likely pathogenic. This variant occurs within a consensus splice junction and is predicted to result in abnormal mRNA splicing of either an out-of-frame exon or an in-frame exon necessary for protein stability and/or normal function.

Labcorp Genetics (formerly Invitae), Labcorp
Classification: Likely pathogenic for Ataxia-telangiectasia syndrome. Last evaluated: 2018-08-22. Review status: criteria provided, single submitter. Criteria: Invitae Variant Classification Sherloc (09022015). Collection method: clinical testing. Allele origin: germline.
Comment: This sequence change affects an acceptor splice site in intron 13 of the ATM gene. It is expected to disrupt RNA splicing and likely results in an absent or disrupted protein product. This variant is not present in population databases (ExAC no frequency). This variant has not been reported in the literature in individuals with ATM-related disease. Donor and acceptor splice site variants typically lead to a loss of protein function (PMID: 16199547), and loss-of-function variants in ATM are known to be pathogenic (PMID: 23807571, 25614872). In summary, the currently available evidence indicates that the variant is pathogenic, but additional data are needed to prove that conclusively. Therefore, this variant has been classified as Likely Pathogenic.

Literature cited by the submitters: PubMed 16199547 (cited by Labcorp Genetics (formerly Invitae), Labcorp); PubMed 23807571 (cited by Labcorp Genetics (formerly Invitae), Labcorp); PubMed 25614872 (cited by Labcorp Genetics (formerly Invitae), Labcorp).